The following is an entry in ClinVar:

NM_025137.4(SPG11):c.2358_2359del (p.Arg788fs)

Gene: SPG11 (SPG11 vesicle trafficking associated, spatacsin; minus strand). Cytogenetic location: 15q21.1.
Variant type: Microsatellite.
Coding change: c.2358_2359del on transcript NM_025137.4 (MANE Select); coding-DNA positions 2358 to 2359, 2 bases deleted (GA; older notation c.2358_2359delGA).
Protein change: p.Arg788fs; shifts the reading frame from arginine 788.
Molecular consequence: frameshift variant.
Genome position (GRCh38, 1-based): chr15:44,622,305-44,622,306, TC deleted on the plus strand (GA on the coding strand, the reverse complement: SPG11 is on the minus strand); deleting any 2 consecutive bases within chr15:44,622,305-44,622,309 gives the same sequence; the c. name uses the placement nearest the transcript's 3' end. VCF-style (leftmost placement, unchanged base first): chr15-44622304-TTC-T. GRCh37 (hg19) VCF-style: chr15-44914502-TTC-T.
Other names: c.2358_2359del, p.Arg788fs (NM_001160227.2); short protein forms R788fs.
Identifiers: ClinVar variation 41289 (VCV000041289.3), dbSNP rs312262741, ClinGen allele CA344316.
Genomic context (GRCh38, chr15:44,622,304, plus strand): 5'-TTTTCTTGGAAATGTCCCAAATAAAGCTTCTCAACTTGATGCACGAAGTCTATAGTTCTT[TTC>T]TCTTTTTCAGAAAAATAATTTTTTTCTTTTAAAATTTCAACCTTGAATAAAAAGTAATTA-3'

ClinVar aggregate classification (germline): Likely pathogenic. Review status: criteria provided, single submitter (1 of 4 stars). 2 submissions from 2 submitters: Likely pathogenic (1). 1 of the submissions does not count toward it. Last evaluated 2023-05-20.

Conditions:
Hereditary spastic paraplegia 11. Also called: SPASTIC PARAPLEGIA, AUTOSOMAL RECESSIVE, COMPLICATED, WITH THIN CORPUS CALLOSUM; SPASTIC PARAPLEGIA, AUTOSOMAL RECESSIVE, WITH MENTAL IMPAIRMENT AND THIN CORPUS CALLOSUM; Spastic paraplegia, mental retardation and thin corpus callosum; Spastic Paraplegia 11; Nakamura Osame syndrome; Autosomal recessive hereditary spastic paraplegia, mental impairment, and thin corpus callosum. Identifiers: Orphanet 2822, MedGen C1858479, MONDO:0011445, OMIM 604360.

Submissions (2):

Neuberg Centre For Genomic Medicine, NCGM
Classification: Likely pathogenic for Hereditary spastic paraplegia 11. Last evaluated: 2023-05-20. Review status: criteria provided, single submitter. Criteria: ACMG Guidelines, 2015. Collection method: clinical testing. Allele origin: germline. Inheritance: Autosomal recessive inheritance. Affected: yes.
Comment: The observed frameshift variant in gene has not been reported previously as a pathogenic variant nor as a benign variant, to our knowledge. This variant is reported with the allele frequency of 0.0004% in the gnomAD Exomes. This variant has been reported to the ClinVar database as not provided. This variant causes a frameshift starting with codon Arginine 788, changes this amino acid to Asparagine residue, and creates a premature Stop codon at position 9 of the new reading frame, denoted p.Arg788AsnfsTer9. This variant is predicted to cause loss of normal protein function through protein truncation. Loss of function variants have been previously reported to be disease causing (Del Bo et al., 2007). For these reasons, this variant has been classified as Likely Pathogenic.

GeneReviews
No classification provided. Condition: Hereditary spastic paraplegia 11. Review status: no classification provided. Collection method: literature only. Allele origin: unknown. Not counted in ClinVar's aggregate classification.

Literature cited by the submitters: PubMed 19105190 (cited by GeneReviews); PubMed 20301389 (cited by GeneReviews); NCBI Bookshelf NBK1210 (cited by GeneReviews).